The following is an entry in ClinVar:

ClinVar aggregate classification (germline): Uncertain significance (1 of 4 stars; one submission).

Conditions:
Progressive familial heart block type IB (PFHB1B). Identifiers: Orphanet 871, MedGen C1970298, MONDO:0011474, OMIM 604559.

Allele frequency attached by ClinVar (database versions not stated): gnomAD exomes below 0.00001; TOPMed below 0.00001.
gnomAD v4.1: 4 of 1,534,500 alleles (0.00026%); highest among the groups gnomAD compares: Middle Eastern, 0.019%; no homozygotes.

Submission:

Labcorp Genetics (formerly Invitae), Labcorp
Classification: Uncertain significance for Progressive familial heart block type IB. Last evaluated: 2024-02-12. Review status: criteria provided, single submitter. Criteria: Invitae Variant Classification Sherloc (09022015). Collection method: clinical testing. Allele origin: germline.
Comment: This sequence change replaces valine, which is neutral and non-polar, with alanine, which is neutral and non-polar, at codon 3 of the TRPM4 protein (p.Val3Ala). This variant is not present in population databases (gnomAD no frequency). This variant has not been reported in the literature in individuals affected with TRPM4-related conditions. ClinVar contains an entry for this variant (Variation ID: 1447130). Algorithms developed to predict the effect of missense changes on protein structure and function output the following: SIFT: "Not Available"; PolyPhen-2: "Benign"; Align-GVGD: "Not Available". The alanine amino acid residue is found in multiple mammalian species, which suggests that this missense change does not adversely affect protein function. In summary, the available evidence is currently insufficient to determine the role of this variant in disease. Therefore, it has been classified as a Variant of Uncertain Significance.

NM_017636.4(TRPM4):c.8T>C (p.Val3Ala)

Gene: TRPM4 (transient receptor potential cation channel subfamily M member 4; plus strand). Cytogenetic location: 19q13.33.
Variant type: single nucleotide variant.
Coding change: c.8T>C on transcript NM_017636.4 (MANE Select); coding-DNA position 8, T replaced by C.
Protein change: p.Val3Ala; replaces valine 3 with alanine.
Molecular consequence: missense variant. On other transcripts: 5 prime UTR variant (3).
Genome position (GRCh38, 1-based): chr19:49,157,874, T>C. VCF-style: chr19-49157874-T-C. GRCh37 (hg19) VCF-style: chr19-49661131-T-C.
Other names: c.8T>C, p.Val3Ala (NM_001195227.2, NM_001321281.2); c.-1365T>C (NM_001321282.2); c.-159T>C (NM_001321283.2); c.-322T>C (NM_001321285.2); short protein forms V3A.
Identifiers: ClinVar variation 1447130 (VCV001447130.6), dbSNP rs1600378229, ClinGen allele CA406787646.